The following is an entry in ClinVar:

ClinVar aggregate classification (germline): Pathogenic. Review status: criteria provided, single submitter (1 of 4 stars). 2 submissions from 2 submitters: Pathogenic (1). 1 of the submissions does not count toward it. Last evaluated 2025-11-26.

Conditions:
PCSK1-related disorder. Also called: PCSK1-related condition.
Obesity due to prohormone convertase I deficiency. Also called: OBESITY AND ENDOCRINOPATHY DUE TO IMPAIRED PROCESSING OF PROHORMONES. Identifiers: Orphanet 71528, MedGen C1833053, MONDO:0010961, OMIM 600955.

Allele frequency attached by ClinVar (database versions not stated): TOPMed below 0.00001.
gnomAD v4.1: 4 of 1,604,254 alleles (0.00025%); highest among the groups gnomAD compares: African/African-American, 0.0013%; no homozygotes.

Submissions (2):

PreventionGenetics, part of Exact Sciences
Classification: Pathogenic for PCSK1-related condition. Last evaluated: 2025-11-26. Review status: criteria provided, single submitter. Criteria: ACMG Guidelines, 2015. Collection method: clinical testing. Allele origin: germline.
Comment: The PCSK1 c.238C>T variant is predicted to result in premature protein termination (p.Arg80*). This variant has been reported to segregate in a family with obesity, and functional studies showed that it inhibits PCSK1 enzyme activity (Philippe et al. 2015. PubMed ID: 24890885; Löffler et al. 2017. PubMed ID: 28271036). This variant is reported in 0.0040% of alleles in individuals of African descent in gnomAD. Nonsense variants in PCSK1 are expected to be pathogenic. This variant is interpreted as pathogenic.

Center for Molecular Medicine, Children’s Hospital of Fudan University
Classification: Pathogenic for Obesity due to prohormone convertase I deficiency. Last evaluated: 2021-01-21. Review status: no assertion criteria provided. Collection method: clinical testing. Allele origin: maternal. Affected: yes. Not counted in ClinVar's aggregate classification.

NM_000439.5(PCSK1):c.238C>T (p.Arg80Ter)

Genes: PCSK1 (proprotein convertase subtilisin/kexin type 1; minus strand), CAST (calpastatin; plus strand), LOC101929710 (uncharacterized LOC101929710; plus strand). Cytogenetic location: 5q15.
Variant type: single nucleotide variant.
Coding change: c.238C>T on transcript NM_000439.5 (MANE Select); coding-DNA position 238, C replaced by T.
Protein change: p.Arg80Ter; replaces arginine 80 with a stop codon.
Molecular consequence: nonsense.
Genome position (GRCh38, 1-based): chr5:96,429,260, G>A on the plus strand (C>T on the coding strand, the complement: PCSK1 is on the minus strand). VCF-style: chr5-96429260-G-A. GRCh37 (hg19) VCF-style: chr5-95764964-G-A.
Other names: c.238C>T (NM_000439.4); c.97C>T, p.Arg33Ter (NM_001177875.2); short protein forms R33*, R80*.
Identifiers: ClinVar variation 995956 (VCV000995956.5), dbSNP rs765019354, ClinGen allele CA360485240.